The following is an entry in ClinVar:

ClinVar aggregate classification (germline): Pathogenic (1 of 4 stars; one submission).

Conditions:
Androgen resistance syndrome (AIS). Also called: ANDROGEN RECEPTOR DEFICIENCY; DIHYDROTESTOSTERONE RECEPTOR DEFICIENCY; TESTICULAR FEMINIZATION SYNDROME; Androgen insensitivity syndrome due to coactivator deficiency; Androgen insensitivity syndrome; Androgen insensitivity. Identifiers: Orphanet 754, Orphanet 99429, MedGen C0039585, MONDO:0019154, OMIM 300068. Disease mechanism: loss of function.
Kennedy disease (SMAX1). Also called: SPINAL AND BULBAR MUSCULAR ATROPHY, X-LINKED 1; KENNEDY SPINAL AND BULBAR MUSCULAR ATROPHY; Spinal and Bulbar Muscular Atrophy. Identifiers: Orphanet 481, MedGen C1839259, MONDO:0010735, OMIM 313200.

Submission:

Labcorp Genetics (formerly Invitae), Labcorp
Classification: Pathogenic for Kennedy disease; Androgen resistance syndrome. Last evaluated: 2022-02-17. Review status: criteria provided, single submitter. Criteria: Invitae Variant Classification Sherloc (09022015). Collection method: clinical testing. Allele origin: germline.
Comment: This variant, c.2191_2199del, results in the deletion of 3 amino acid(s) of the AR protein (p.Val731_Asp733del), but otherwise preserves the integrity of the reading frame. This variant is not present in population databases (gnomAD no frequency). This variant has not been reported in the literature in individuals affected with AR-related conditions. This variant disrupts a region of the AR protein in which other variant(s) (p.Asp733Asn) have been determined to be pathogenic (PMID: 10425033). This suggests that this is a clinically significant region of the protein, and that variants that disrupt it are likely to be disease-causing. For these reasons, this variant has been classified as Pathogenic.

Literature cited by the submitters: PubMed 10425033.

NM_000044.6(AR):c.2191_2199del (p.Val731_Asp733del)

Gene: AR (androgen receptor; plus strand). Cytogenetic location: Xq12.
Variant type: Deletion.
Coding change: c.2191_2199del on transcript NM_000044.6 (MANE Select); coding-DNA positions 2191 to 2199, 9 bases deleted (GTGGACGAC; older notation c.2191_2199delGTGGACGAC).
Protein change: p.Val731_Asp733del.
Molecular consequence: inframe deletion.
Genome position (GRCh38, 1-based): chrX:67,717,495-67,717,503, GTGGACGAC deleted; deleting any 9 consecutive bases within chrX:67,717,493-67,717,503 gives the same sequence; the c. name uses the placement nearest the transcript's 3' end. VCF-style (leftmost placement, unchanged base first): chrX-67717492-CACGTGGACG-C. GRCh37 (hg19) VCF-style: chrX-66937334-CACGTGGACG-C.
Other names: c.595_603del, p.Val199_Asp201del (NM_001011645.3).
Identifiers: ClinVar variation 2016344 (VCV002016344.4), dbSNP rs2519835321, ClinGen allele CA2580101282.